The following is an entry in ClinVar:

NM_001267550.2(TTN):c.64033G>T (p.Glu21345Ter)

Genes: TTN (titin; minus strand), TTN-AS1 (TTN antisense RNA 1; plus strand). Cytogenetic location: 2q31.2.
Variant type: single nucleotide variant.
Coding change: c.64033G>T on transcript NM_001267550.2 (MANE Select); coding-DNA position 64033, G replaced by T.
Protein change: p.Glu21345Ter; replaces glutamic acid 21345 with a stop codon.
Molecular consequence: nonsense.
Genome position (GRCh38, 1-based): chr2:178,587,178, C>A on the plus strand (G>T on the coding strand, the complement: TTN is on the minus strand). VCF-style: chr2-178587178-C-A. GRCh37 (hg19) VCF-style: chr2-179451905-C-A.
Other names: c.59110G>T, p.Glu19704Ter (NM_001256850.1); c.36838G>T, p.Glu12280Ter (NM_003319.4); c.56329G>T, p.Glu18777Ter (NM_133378.4); c.37213G>T, p.Glu12405Ter (NM_133432.3); c.37414G>T, p.Glu12472Ter (NM_133437.4); short protein forms E12472*, E21345*, E19704*, E12280*, E12405*, E18777*.
Identifiers: ClinVar variation 2021342 (VCV002021342.4), dbSNP rs776495338, ClinGen allele CA349446396.

ClinVar aggregate classification (germline): Likely pathogenic (1 of 4 stars; one submission).

Conditions:
Autosomal recessive limb-girdle muscular dystrophy type 2J (LGMDR10). Also called: Limb-girdle muscular dystrophy, type 2J; MUSCULAR DYSTROPHY, LIMB-GIRDLE, AUTOSOMAL RECESSIVE 10. Identifiers: Orphanet 140922, MedGen C1837342, MONDO:0012127, OMIM 608807.
Dilated cardiomyopathy 1G (CMD1G). Identifiers: Orphanet 154, MedGen C1858763, MONDO:0011400, OMIM 604145.

Submission:

Labcorp Genetics (formerly Invitae), Labcorp
Classification: Likely pathogenic for Dilated cardiomyopathy 1G; Autosomal recessive limb-girdle muscular dystrophy type 2J. Last evaluated: 2023-07-17. Review status: criteria provided, single submitter. Criteria: Invitae Variant Classification Sherloc (09022015). Collection method: clinical testing. Allele origin: germline.
Comment: This variant is not present in population databases (gnomAD no frequency). In summary, the currently available evidence indicates that the variant is pathogenic, but additional data are needed to prove that conclusively. Therefore, this variant has been classified as Likely Pathogenic. This variant is located in the A band of TTN (PMID: 25589632). Truncating variants in this region are significantly overrepresented in patients affected with dilated cardiomyopathy (PMID: 25589632). Truncating variants in this region have also been reported in individuals affected with autosomal recessive centronuclear myopathy (PMID: 23975875). ClinVar contains an entry for this variant (Variation ID: 2021342). This variant has not been reported in the literature in individuals affected with TTN-related conditions. This sequence change creates a premature translational stop signal (p.Glu21345*) in the TTN gene. While this is not anticipated to result in nonsense mediated decay, it is expected to create a truncated TTN protein.

Literature cited by the submitters: PubMed 25589632; PubMed 23975875.